The following is an entry in ClinVar:

NM_000045.4(ARG1):c.661G>T (p.Gly221Ter)

Genes: ARG1 (arginase 1; plus strand), MED23 (mediator complex subunit 23; minus strand). Cytogenetic location: 6q23.2.
Variant type: single nucleotide variant.
Coding change: c.661G>T on transcript NM_000045.4 (MANE Select); coding-DNA position 661, G replaced by T.
Protein change: p.Gly221Ter; replaces glycine 221 with a stop codon.
Molecular consequence: nonsense. On other transcripts: non-coding transcript variant (1), intron variant (2).
Genome position (GRCh38, 1-based): chr6:131,583,160, G>T. VCF-style: chr6-131583160-G-T. GRCh37 (hg19) VCF-style: chr6-131904300-G-T.
Other names: c.685G>T, p.Gly229Ter (NM_001244438.2); c.406G>T, p.Gly136Ter (NM_001369020.1); c.4077+4549C>A (NM_001270521.2); c.4095+4549C>A (NM_015979.4); short protein forms G136*, G221*, G229*.
Identifiers: ClinVar variation 1724276 (VCV001724276.2), dbSNP rs2482384542, ClinGen allele CA365652344.

ClinVar aggregate classification (germline): Likely pathogenic (1 of 4 stars; one submission).

Conditions:
Arginase deficiency. Also called: Arginase 1 Deficiency; ARGININEMIA; ARG1 DEFICIENCY. Identifiers: Orphanet 90, MedGen C0268548, MONDO:0008814, OMIM 207800.

Submission:

Myriad Genetics, Inc.
Classification: Likely pathogenic for Arginase deficiency. Last evaluated: 2022-02-03. Review status: criteria provided, single submitter. Criteria: Myriad Women's Health Autosomal Recessive and X-Linked Classification Criteria (2021). Collection method: clinical testing. Allele origin: unknown.
Comment: NM_000045.3(ARG1):c.661G>T(G221*) is expected to be pathogenic in the context of argininemia. This variant is predicted to lead to an abnormal or absent protein product due to the creation of a premature termination codon in ARG1, a gene where loss-of-function variants are known to be pathogenic. Please note: this variant was assessed in the context of healthy population screening.